The following is an entry in ClinVar:

ClinVar aggregate classification (germline): Likely pathogenic. Review status: criteria provided, multiple submitters, no conflicts (2 of 4 stars). 2 submissions from 2 submitters: Likely pathogenic (2). Last evaluated 2026-01-13.

Conditions:
Primary ciliary dyskinesia. Also called: Ciliary dyskinesia. Identifiers: Orphanet 244, MedGen C0008780, MONDO:0016575, HP:0012265.

Allele frequency attached by ClinVar (database versions not stated): TOPMed 0.00002; gnomAD exomes 0.00003 and 0.00006; ExAC 0.00006.

Submissions (2):

Labcorp Genetics (formerly Invitae), Labcorp
Classification: Likely pathogenic for Primary ciliary dyskinesia. Last evaluated: 2026-01-13. Review status: criteria provided, single submitter. Criteria: Invitae Variant Classification Sherloc (09022015). Collection method: clinical testing. Allele origin: germline.
Comment: This sequence change affects a donor splice site in intron 7 of the DNAAF3 gene. It is expected to disrupt RNA splicing. Variants that disrupt the donor or acceptor splice site typically lead to a loss of protein function (PMID: 16199547), and loss-of-function variants in DNAAF3 are known to be pathogenic (PMID: 22387996). This variant is present in population databases (rs770143722, gnomAD 0.04%). This variant has not been reported in the literature in individuals affected with DNAAF3-related conditions. ClinVar contains an entry for this variant (Variation ID: 410289). Algorithms developed to predict the effect of sequence changes on RNA splicing suggest that this variant may disrupt the consensus splice site. In summary, the currently available evidence indicates that the variant is pathogenic, but additional data are needed to prove that conclusively. Therefore, this variant has been classified as Likely Pathogenic.

GeneDx
Classification: Likely pathogenic. Last evaluated: 2025-02-05. Review status: criteria provided, single submitter. Criteria: GeneDx Variant Classification Process June 2021. Collection method: clinical testing. Allele origin: germline. Affected: yes.
Comment: Canonical splice site variant predicted to result in an in-frame loss of the adjacent exon in a gene for which loss of function is a known mechanism of disease; Has not been previously published as pathogenic or benign to our knowledge

Literature cited by the submitters: PubMed 16199547 (cited by Labcorp Genetics (formerly Invitae), Labcorp); PubMed 22387996 (cited by Labcorp Genetics (formerly Invitae), Labcorp).

NM_001256715.2(DNAAF3):c.789+1G>C

Genes: DNAAF3 (dynein axonemal assembly factor 3; minus strand), DNAAF3-AS1 (DNAAF3 antisense RNA 1; plus strand). Cytogenetic location: 19q13.42.
Variant type: single nucleotide variant.
Coding change: c.789+1G>C on transcript NM_001256715.2 (MANE Select); the canonical splice donor site of the intron after coding-DNA position 789, G replaced by C.
Molecular consequence: splice donor variant.
Genome position (GRCh38, 1-based): chr19:55,161,292, C>G on the plus strand (G>C on the coding strand, the complement: DNAAF3 is on the minus strand). VCF-style: chr19-55161292-C-G. GRCh37 (hg19) VCF-style: chr19-55672660-C-G.
Other names: c.930+1G>C (NM_178837.4); c.993+1G>C (NM_001256714.1); c.627+1G>C (NM_001256716.2).
Identifiers: ClinVar variation 410289 (VCV000410289.10), dbSNP rs770143722, ClinGen allele CA9668068.